The following is an entry in ClinVar:

ClinVar aggregate classification (germline): Benign/Likely benign. Review status: criteria provided, multiple submitters, no conflicts (2 of 4 stars). 3 submissions from 3 submitters: Benign (1); Likely benign (2). Last evaluated 2025-11-05.

Conditions:
Hereditary cancer-predisposing syndrome. Also called: Neoplastic Syndromes, Hereditary; Hereditary neoplastic syndrome; Hereditary Cancer Syndrome; Tumor predisposition. Identifiers: Orphanet 140162, MedGen C0027672, MeSH D009386, MONDO:0015356.
Hereditary diffuse gastric adenocarcinoma (HDGC). Also called: DIFFUSE GASTRIC AND LOBULAR BREAST CANCER SYNDROME. Identifiers: Orphanet 26106, MedGen C1708349, MONDO:0007648, OMIM 137215.

Allele frequency attached by ClinVar (database versions not stated): gnomAD exomes below 0.00001.
gnomAD v4.1: 3 of 1,610,274 alleles (0.00019%); highest among the groups gnomAD compares: South Asian, 0.0011%; no homozygotes.

Submissions (3):

Labcorp Genetics (formerly Invitae), Labcorp
Classification: Likely benign. Last evaluated: 2025-11-05. Review status: criteria provided, single submitter. Criteria: Invitae Variant Classification Sherloc (09022015). Collection method: clinical testing. Allele origin: germline.

Myriad Genetics, Inc.
Classification: Benign for Hereditary diffuse gastric adenocarcinoma. Last evaluated: 2024-10-09. Review status: criteria provided, single submitter. Criteria: Myriad Autosomal Dominant, Autosomal Recessive and X-Linked Classification Criteria (2023). Collection method: clinical testing. Allele origin: unknown.
Comment: This variant is considered benign. This variant is a silent/synonymous amino acid change and it is not expected to impact splicing.

Ambry Genetics
Classification: Likely benign for Hereditary cancer-predisposing syndrome. Last evaluated: 2022-09-27. Review status: criteria provided, single submitter. Criteria: Ambry Variant Classification Scheme 2023. Collection method: clinical testing. Allele origin: germline.

NM_001903.5(CTNNA1):c.123C>T (p.Asn41=)

Gene: CTNNA1 (catenin alpha 1; plus strand). Cytogenetic location: 5q31.2.
Variant type: single nucleotide variant.
Coding change: c.123C>T on transcript NM_001903.5 (MANE Select); coding-DNA position 123, C replaced by T.
Protein change: p.Asn41=; no amino-acid change (asparagine 41 retained).
Molecular consequence: synonymous variant. On other transcripts: 5 prime UTR variant (1), intron variant (1).
Genome position (GRCh38, 1-based): chr5:138,783,194, C>T. VCF-style: chr5-138783194-C-T. GRCh37 (hg19) VCF-style: chr5-138118883-C-T.
Other names: c.123C>T, p.Asn41= (NM_001290307.3, NM_001323982.2, NM_001323983.1 and 3 more transcripts); c.-84C>T (NM_001290310.3); c.-9+1165C>T (NM_001290309.3).
Identifiers: ClinVar variation 1104265 (VCV001104265.12), dbSNP rs1369656663, ClinGen allele CA446725063.
Genomic context (GRCh38, chr5:138,783,194, plus strand): 5'-ATTTTAATTGACTCCAGTTTAATGTTAAAAATGAAACTTTTAGGTTACAACCCTTGTAAA[C>T]ACCAATAGTAAAGGGCCCTCTAATAAGAAGAGAGGTCGTTCTAAGAAGGCCCATGTTTTG-3'
Protein context (NP_001894.2, residues 31-51): PLVTQVTTLV[Asn41=]TNSKGPSNKK